The following is an entry in ClinVar:

NM_005257.6(GATA6):c.361G>A (p.Ala121Thr)

Gene: GATA6 (GATA binding protein 6; plus strand). Cytogenetic location: 18q11.2.
Variant type: single nucleotide variant.
Coding change: c.361G>A on transcript NM_005257.6 (MANE Select); coding-DNA position 361, G replaced by A.
Protein change: p.Ala121Thr; replaces alanine 121 with threonine.
Molecular consequence: missense variant.
Genome position (GRCh38, 1-based): chr18:22,171,505, G>A. VCF-style: chr18-22171505-G-A. GRCh37 (hg19) VCF-style: chr18-19751466-G-A.
Other names: short protein forms A121T.
Identifiers: ClinVar variation 1424106 (VCV001424106.6), dbSNP rs2143275441, ClinGen allele CA401799499.

ClinVar aggregate classification (germline): Uncertain significance (1 of 4 stars; one submission).

Conditions:
Atrioventricular septal defect 5 (AVSD5). Identifiers: MedGen C3280939, MONDO:0013769, OMIM 614474.

Allele frequency attached by ClinVar (database versions not stated): gnomAD exomes below 0.00001.

Submission:

Labcorp Genetics (formerly Invitae), Labcorp
Classification: Uncertain significance for Atrioventricular septal defect 5. Last evaluated: 2025-07-13. Review status: criteria provided, single submitter. Criteria: Invitae Variant Classification Sherloc (09022015). Collection method: clinical testing. Allele origin: germline.
Comment: This sequence change replaces alanine, which is neutral and non-polar, with threonine, which is neutral and polar, at codon 121 of the GATA6 protein (p.Ala121Thr). This variant is not present in population databases (gnomAD no frequency). This variant has not been reported in the literature in individuals affected with GATA6-related conditions. ClinVar contains an entry for this variant (Variation ID: 1424106). Invitae Evidence Modeling of protein sequence and biophysical properties (such as structural, functional, and spatial information, amino acid conservation, physicochemical variation, residue mobility, and thermodynamic stability) indicates that this missense variant is not expected to disrupt GATA6 protein function with a negative predictive value of 80%. In summary, the available evidence is currently insufficient to determine the role of this variant in disease. Therefore, it has been classified as a Variant of Uncertain Significance.